The following is an entry in ClinVar:

ClinVar aggregate classification (germline): Uncertain significance (1 of 4 stars; one submission).

Submission:

Labcorp Genetics (formerly Invitae), Labcorp
Classification: Uncertain significance. Last evaluated: 2022-06-11. Review status: criteria provided, single submitter. Criteria: Invitae Variant Classification Sherloc (09022015). Collection method: clinical testing. Allele origin: germline.
Comment: This variant is not present in population databases (gnomAD no frequency). This sequence change replaces isoleucine, which is neutral and non-polar, with threonine, which is neutral and polar, at codon 513 of the FNIP1 protein (p.Ile513Thr). This variant has not been reported in the literature in individuals affected with FNIP1-related conditions. In summary, the available evidence is currently insufficient to determine the role of this variant in disease. Therefore, it has been classified as a Variant of Uncertain Significance. Algorithms developed to predict the effect of missense changes on protein structure and function are either unavailable or do not agree on the potential impact of this missense change (SIFT: "Deleterious"; PolyPhen-2: "Probably Damaging"; Align-GVGD: "Class C0").

NM_133372.3(FNIP1):c.1538T>C (p.Ile513Thr)

Gene: FNIP1 (folliculin interacting protein 1; minus strand). Cytogenetic location: 5q31.1.
Variant type: single nucleotide variant.
Coding change: c.1538T>C on transcript NM_133372.3 (MANE Select); coding-DNA position 1538, T replaced by C.
Protein change: p.Ile513Thr; replaces isoleucine 513 with threonine.
Molecular consequence: missense variant.
Genome position (GRCh38, 1-based): chr5:131,672,906, A>G on the plus strand (T>C on the coding strand, the complement: FNIP1 is on the minus strand). VCF-style: chr5-131672906-A-G. GRCh37 (hg19) VCF-style: chr5-131008599-A-G.
Other names: c.1454T>C, p.Ile485Thr (NM_001008738.3); c.1403T>C, p.Ile468Thr (NM_001346114.2); short protein forms I468T, I513T, I485T.
Identifiers: ClinVar variation 2004856 (VCV002004856.4), dbSNP rs2532128792, ClinGen allele CA360794247.